The following is an entry in ClinVar:

NM_002317.7(LOX):c.878+12G>T

Genes: LOX (lysyl oxidase; minus strand), SRFBP1 (serum response factor binding protein 1; plus strand). Cytogenetic location: 5q23.1.
Variant type: single nucleotide variant.
Coding change: c.878+12G>T on transcript NM_002317.7 (MANE Select); 12 bases into the intron after coding-DNA position 878, G replaced by T.
Molecular consequence: intron variant.
Genome position (GRCh38, 1-based): chr5:122,075,392, C>A on the plus strand (G>T on the coding strand, the complement: LOX is on the minus strand). VCF-style: chr5-122075392-C-A. GRCh37 (hg19) VCF-style: chr5-121411087-C-A.
Other names: c.188+12G>T (NM_001178102.2); c.-14+12G>T (NM_001317073.1).
Identifiers: ClinVar variation 931970 (VCV000931970.3), dbSNP rs1754587935, ClinGen allele CA446051750.

ClinVar aggregate classification (germline): Uncertain significance (1 of 4 stars; one submission).

Conditions:
Aortic aneurysm, familial thoracic 10 (AAT10). Identifiers: MedGen C4284414, MONDO:0014950, OMIM 617168.

Submission:

Centre for Mendelian Genomics, University Medical Centre Ljubljana
Classification: Uncertain significance for Aortic aneurysm, familial thoracic 10. Last evaluated: 2018-12-05. Review status: criteria provided, single submitter. Criteria: ACMG Guidelines, 2015. Collection method: clinical testing. Allele origin: unknown. Affected: yes.
Comment: This variant was classified as: Uncertain significance. The available evidence on this variant's pathogenicity is insufficient or conflicting. The following ACMG criteria were applied in classifying this variant: PM2.